The following is an entry in ClinVar:

ClinVar aggregate classification (germline): Uncertain significance (1 of 4 stars; one submission).

Conditions:
MKKS-related disorder. Also called: MKKS-related disorders; MKKS-related condition.

gnomAD v4.1: 1 of 1,614,206 alleles (0.000062%); highest among the groups gnomAD compares: South Asian, 0.0011%; no homozygotes.

Submission:

PreventionGenetics, part of Exact Sciences
Classification: Uncertain significance for MKKS-related condition. Last evaluated: 2025-10-09. Review status: criteria provided, single submitter. Criteria: ACMG Guidelines, 2015. Collection method: clinical testing. Allele origin: germline.
Comment: The MKKS c.1550G>T variant is predicted to result in the amino acid substitution p.Arg517Leu. To our knowledge, this variant has not been reported in the literature or in a large population database (gnomAD), indicating this variant is rare. At this time, the clinical significance of this variant is uncertain due to the absence of conclusive functional and genetic evidence.

NM_170784.3(MKKS):c.1550G>T (p.Arg517Leu)

Gene: MKKS (MKKS centrosomal shuttling protein; minus strand). Cytogenetic location: 20p12.2.
Variant type: single nucleotide variant.
Coding change: c.1550G>T on transcript NM_170784.3 (MANE Select); coding-DNA position 1550, G replaced by T.
Protein change: p.Arg517Leu; replaces arginine 517 with leucine.
Molecular consequence: missense variant. On other transcripts: non-coding transcript variant (1).
Genome position (GRCh38, 1-based): chr20:10,405,410, C>A on the plus strand (G>T on the coding strand, the complement: MKKS is on the minus strand). VCF-style: chr20-10405410-C-A. GRCh37 (hg19) VCF-style: chr20-10386058-C-A.
Other names: c.1550G>T, p.Arg517Leu (NM_018848.3); short protein forms R517L.
Identifiers: ClinVar variation 4992738 (VCV004992738.1).